The following is an entry in ClinVar:

NM_001369268.1(ACAN):c.382T>G (p.Ser128Ala)

Gene: ACAN (aggrecan; plus strand). Cytogenetic location: 15q26.1.
Variant type: single nucleotide variant.
Coding change: c.382T>G on transcript NM_001369268.1 (MANE Select); coding-DNA position 382, T replaced by G.
Protein change: p.Ser128Ala; replaces serine 128 with alanine.
Molecular consequence: missense variant.
Genome position (GRCh38, 1-based): chr15:88,838,974, T>G. VCF-style: chr15-88838974-T-G. GRCh37 (hg19) VCF-style: chr15-89382205-T-G.
Other names: c.382T>G, p.Ser128Ala (NM_001135.4, NM_001411096.1, NM_001411097.1 and 1 more transcripts); short protein forms S128A.
Identifiers: ClinVar variation 4809501 (VCV004809501.1).
Genomic context (GRCh38, chr15:88,838,974, plus strand): 5'-AACTACCCGGCCATCCCCAGTGACGCCACCTTGGAAGTCCAGAGCCTGCGCTCCAATGAC[T>G]CTGGGGTCTACCGCTGCGAGGTGATGCATGGCATCGAGGACAGCGAGGCCACCCTGGAAG-3'
Protein context (NP_001356197.1, residues 118-138): LEVQSLRSND[Ser128Ala]GVYRCEVMHG

ClinVar aggregate classification (germline): Uncertain significance (1 of 4 stars; one submission).

Submission:

Labcorp Genetics (formerly Invitae), Labcorp
Classification: Uncertain significance. Last evaluated: 2025-12-03. Review status: criteria provided, single submitter. Criteria: Invitae Variant Classification Sherloc (09022015). Collection method: clinical testing. Allele origin: germline.
Comment: This sequence change replaces serine, which is neutral and polar, with alanine, which is neutral and non-polar, at codon 128 of the ACAN protein (p.Ser128Ala). This variant is not present in population databases (gnomAD no frequency). This variant has not been reported in the literature in individuals affected with ACAN-related conditions. Invitae Evidence Modeling of protein sequence and biophysical properties (such as structural, functional, and spatial information, amino acid conservation, physicochemical variation, residue mobility, and thermodynamic stability) indicates that this missense variant is not expected to disrupt ACAN protein function with a negative predictive value of 80%. In summary, the available evidence is currently insufficient to determine the role of this variant in disease. Therefore, it has been classified as a Variant of Uncertain Significance.